The following is an entry in ClinVar:

NM_000399.5(EGR2):c.608C>T (p.Pro203Leu)

Gene: EGR2 (early growth response 2; minus strand). Cytogenetic location: 10q21.3.
Variant type: single nucleotide variant.
Coding change: c.608C>T on transcript NM_000399.5 (MANE Select); coding-DNA position 608, C replaced by T.
Protein change: p.Pro203Leu; replaces proline 203 with leucine.
Molecular consequence: missense variant.
Genome position (GRCh38, 1-based): chr10:62,814,030, G>A on the plus strand (C>T on the coding strand, the complement: EGR2 is on the minus strand). VCF-style: chr10-62814030-G-A. GRCh37 (hg19) VCF-style: chr10-64573790-G-A.
Other names: c.608C>T, p.Pro203Leu (NM_001136177.3, NM_001136178.2); c.458C>T, p.Pro153Leu (NM_001136179.3, NM_001321037.2); short protein forms P153L, P203L.
Identifiers: ClinVar variation 1063256 (VCV001063256.11), dbSNP rs1055082588, ClinGen allele CA208351818.
Genomic context (GRCh38, chr10:62,814,030, plus strand): 5'-ATCATTGGGAAGAGACCTGGGTCCGTGGCTGGCTTGGGGGATGGATAGGAAGGAGGTGGT[G>A]GGTAGGCCAGAGAGGAAGAGGTGGAGGTGGTGGCTGCTGACAGGAACGCAGAAGGGTCCT-3'
Protein context (NP_000390.2, residues 193-213): TTSTSSSLAY[Pro203Leu]PPPSYPSPKP

ClinVar aggregate classification (germline): Uncertain significance. Review status: criteria provided, multiple submitters, no conflicts (2 of 4 stars). 3 submissions from 3 submitters: Uncertain significance (3). Last evaluated 2022-12-06.

Conditions:
Charcot-Marie-Tooth disease, type I (CMT1). Also called: Charcot-Marie-Tooth, Type 1; Charcot-Marie-Tooth disease type 1. Identifiers: Orphanet 65753, MedGen C0751036, MONDO:0019011.
Inborn genetic diseases. Identifiers: MedGen C0950123, MeSH D030342.

Allele frequency attached by ClinVar (database versions not stated): gnomAD exomes 0.00001.
gnomAD v4.1: 8 of 1,614,176 alleles (0.0005%); highest among the groups gnomAD compares: Non-Finnish European, 0.00059%; no homozygotes.

Submissions (3):

GeneDx
Classification: Uncertain significance. Last evaluated: 2022-12-06. Review status: criteria provided, single submitter. Criteria: GeneDx Variant Classification Process June 2021. Collection method: clinical testing. Allele origin: germline. Affected: yes.
Comment: In silico analysis supports that this missense variant does not alter protein structure/function; Has not been previously published as pathogenic or benign to our knowledge

Labcorp Genetics (formerly Invitae), Labcorp
Classification: Uncertain significance for Charcot-Marie-Tooth disease, type I. Last evaluated: 2022-07-05. Review status: criteria provided, single submitter. Criteria: Invitae Variant Classification Sherloc (09022015). Collection method: clinical testing. Allele origin: germline.
Comment: In summary, the available evidence is currently insufficient to determine the role of this variant in disease. Therefore, it has been classified as a Variant of Uncertain Significance. Algorithms developed to predict the effect of missense changes on protein structure and function (SIFT, PolyPhen-2, Align-GVGD) all suggest that this variant is likely to be tolerated. ClinVar contains an entry for this variant (Variation ID: 1063256). This variant has not been reported in the literature in individuals affected with EGR2-related conditions. This variant is present in population databases (no rsID available, gnomAD 0.002%). This sequence change replaces proline, which is neutral and non-polar, with leucine, which is neutral and non-polar, at codon 203 of the EGR2 protein (p.Pro203Leu).

Ambry Genetics
Classification: Uncertain significance for Inborn genetic diseases. Last evaluated: 2021-03-29. Review status: criteria provided, single submitter. Criteria: Ambry Variant Classification Scheme 2023. Collection method: clinical testing. Allele origin: germline.
Comment: The p.P203L variant (also known as c.608C>T), located in coding exon 2 of the EGR2 gene, results from a C to T substitution at nucleotide position 608. The proline at codon 203 is replaced by leucine, an amino acid with similar properties. This amino acid position is not well conserved in available vertebrate species. In addition, this alteration is predicted to be tolerated by in silico analysis. Since supporting evidence is limited at this time, the clinical significance of this alteration remains unclear.